The following is an entry in ClinVar:

ClinVar aggregate classification (germline): Uncertain significance (1 of 4 stars; one submission).

Conditions:
Arrhythmogenic right ventricular dysplasia 11. Also called: Arrhythmogenic right ventricular dysplasia 11 with mild palmoplantar keratoderma and woolly hair; Arrhythmogenic Right Ventricular Dysplasia/Cardiomyopathy11; ARRHYTHMOGENIC RIGHT VENTRICULAR DYSPLASIA, FAMILIAL, 11. Identifiers: MedGen C1864850, MONDO:0012506, OMIM 610476.

Submission:

Labcorp Genetics (formerly Invitae), Labcorp
Classification: Uncertain significance for Arrhythmogenic right ventricular dysplasia 11. Last evaluated: 2024-02-19. Review status: criteria provided, single submitter. Criteria: Invitae Variant Classification Sherloc (09022015). Collection method: clinical testing. Allele origin: germline.
Comment: This sequence change affects codon 315 of the DSC2 mRNA. It is a 'silent' change, meaning that it does not change the encoded amino acid sequence of the DSC2 protein. It affects a nucleotide within the consensus splice site. This variant is not present in population databases (gnomAD no frequency). This variant has not been reported in the literature in individuals affected with DSC2-related conditions. ClinVar contains an entry for this variant (Variation ID: 1372894). Algorithms developed to predict the effect of sequence changes on RNA splicing suggest that this variant is not likely to affect RNA splicing. In summary, the available evidence is currently insufficient to determine the role of this variant in disease. Therefore, it has been classified as a Variant of Uncertain Significance.

NM_024422.6(DSC2):c.943T>C (p.Leu315=)

Gene: DSC2 (desmocollin 2; minus strand). Cytogenetic location: 18q12.1.
Variant type: single nucleotide variant.
Coding change: c.943T>C on transcript NM_024422.6 (MANE Select); coding-DNA position 943, T replaced by C.
Protein change: p.Leu315=; no amino-acid change (leucine 315 retained).
Molecular consequence: synonymous variant.
Genome position (GRCh38, 1-based): chr18:31,083,060, A>G on the plus strand (T>C on the coding strand, the complement: DSC2 is on the minus strand). VCF-style: chr18-31083060-A-G. GRCh37 (hg19) VCF-style: chr18-28663026-A-G.
Other names: c.943T>C, p.Leu315= (NM_004949.5).
Identifiers: ClinVar variation 1372894 (VCV001372894.8), dbSNP rs2144821693, ClinGen allele CA503387918.
Genomic context (GRCh38, chr18:31,083,060, plus strand): 5'-GACCAAAATACTGACCATCCATGTCTTGTACTTTTATTTTCAACTGGTACTTGTCAATTA[A>G]CTGAAAACAAAAAAAGAATTTAATTATTGGGGGAAAGCACCAACATTATAATTGAAATCT-3'
Protein context (NP_077740.1, residues 305-325): TTTSSQLDRE[Leu315=]IDKYQLKIKV